The following is an entry in ClinVar:

NM_000543.5(SMPD1):c.1264-1G>C

Gene: SMPD1 (sphingomyelin phosphodiesterase 1; plus strand). Cytogenetic location: 11p15.4.
Variant type: single nucleotide variant.
Coding change: c.1264-1G>C on transcript NM_000543.5 (MANE Select); the canonical splice acceptor site of the intron before coding-DNA position 1264, G replaced by C.
Molecular consequence: splice acceptor variant.
Genome position (GRCh38, 1-based): chr11:6,393,616, G>C. VCF-style: chr11-6393616-G-C. GRCh37 (hg19) VCF-style: chr11-6414846-G-C.
Other names: c.343-1G>C (NM_001318088.2); c.1132-1G>C (NM_001365135.2); c.1264-1G>C (NM_001318087.2); c.1261-1G>C (NM_001007593.3).
Identifiers: ClinVar variation 802654 (VCV000802654.2), dbSNP rs1057516454, ClinGen allele CA379374156.
Genomic context (GRCh38, chr11:6,393,616, plus strand): 5'-CTAGCCAGGGCTGCCTGGACCCCTGGATGCCCTGATTACCATCCTTAATTCTCCCTACTA[G>C]GTGCATATAATTGGCCACATTCCCCCAGGGCACTGTCTGAAGAGCTGGAGCTGGAATTAT-3'

ClinVar aggregate classification (germline): Pathogenic/Likely pathogenic. Review status: criteria provided, multiple submitters, no conflicts (2 of 4 stars). 2 submissions from 2 submitters: Pathogenic (1); Likely pathogenic (1). Last evaluated 2024-01-31.

Conditions:
Niemann-Pick disease, type A. Also called: Infantile Neurovisceral ASMD (Niemann-Pick Disease Type A; NPD-A); SPHINGOMYELIN LIPIDOSIS; SPHINGOMYELINASE DEFICIENCY. Identifiers: Orphanet 77292, MedGen C0268242, MONDO:0009756, OMIM 257200. Disease mechanism: loss of function.

gnomAD v4.1: 8 of 1,611,654 alleles (0.0005%); highest among the groups gnomAD compares: Non-Finnish European, 0.00068%; no homozygotes.

Submissions (2):

3billion
Classification: Pathogenic for Niemann-Pick disease, type A. Last evaluated: 2024-01-31. Review status: criteria provided, single submitter. Criteria: ACMG Guidelines, 2015. Collection method: clinical testing. Allele origin: germline. Affected: yes.
Comment: The variant is not observed in the gnomAD v2.1.1 dataset. Predicted Consequence/Location: Canonical splice site: predicted to alter splicing and result in a loss or disruption of normal protein function. Multiple pathogenic loss-of-function variants are reported downstream of the variant. The variant has been reported to be associated with SMPD1 related disorder (ClinVar ID: VCV000802654). However, the evidence of pathogenicity is insufficient at this time. Therefore, this variant is classified as Pathogenic according to the recommendation of ACMG/AMP guideline.

Mendelics
Classification: Likely pathogenic for Niemann-Pick disease, type A. Last evaluated: 2019-05-28. Review status: criteria provided, single submitter. Criteria: Mendelics Assertion Criteria 2017. Collection method: clinical testing. Allele origin: unknown.